The following is an entry in ClinVar:

NM_052934.4(SLC26A9):c.*258C>T

Gene: SLC26A9 (solute carrier family 26 member 9; minus strand). Cytogenetic location: 1q32.1.
Variant type: single nucleotide variant.
Coding change: c.*258C>T on transcript NM_052934.4 (MANE Select); 258 bases downstream of the stop codon, C replaced by T.
Molecular consequence: 3 prime UTR variant. On other transcripts: synonymous variant (1).
Genome position (GRCh38, 1-based): chr1:205,915,099, G>A on the plus strand (C>T on the coding strand, the complement: SLC26A9 is on the minus strand). VCF-style: chr1-205915099-G-A. GRCh37 (hg19) VCF-style: chr1-205884227-G-A.
Other names: c.2457C>T, p.Ala819= (NM_134325.3).
Identifiers: ClinVar variation 5038828 (VCV005038828.1).

ClinVar aggregate classification (germline): Likely benign (1 of 4 stars; one submission).

gnomAD v4.1: 77 of 1,614,054 alleles (0.0048%); highest among the groups gnomAD compares: African/African-American, 0.059%; 1 homozygote.

Submission:

CeGaT Center for Human Genetics Tuebingen
Classification: Likely benign. Last evaluated: 2026-08-01. Review status: criteria provided, single submitter. Criteria: CeGaT Center For Human Genetics Tuebingen Variant Classification Criteria Version 2. Collection method: clinical testing. Allele origin: germline. Affected: yes. Observed: 1 variant allele.
Comment: SLC26A9: BP4, BP7